The following is an entry in ClinVar:

ClinVar aggregate classification (germline): Uncertain significance. Review status: criteria provided, multiple submitters, no conflicts (2 of 4 stars). 2 submissions from 2 submitters: Uncertain significance (2). Last evaluated 2023-04-26.

Submissions (2):

Athena Diagnostics
Classification: Uncertain significance. Last evaluated: 2023-04-26. Review status: criteria provided, single submitter. Criteria: Athena Diagnostics Criteria. Collection method: clinical testing. Allele origin: unknown.
Comment: Available data are insufficient to determine the clinical significance of the variant at this time. This variant has not been reported in large, multi-ethnic general populations. Computational tools disagree on the variant's effect on normal protein function.

ARUP Laboratories, Molecular Genetics and Genomics, ARUP Laboratories
Classification: Uncertain significance. Last evaluated: 2019-07-28. Review status: criteria provided, single submitter. Criteria: ARUP Molecular Germline Variant Investigation Process. Collection method: clinical testing. Allele origin: germline.
Comment: The ADGRV1 c.18674G>T; p.Ser6225Ile variant, to our knowledge, is not reported in the medical literature or gene specific databases. This variant is also absent from general population databases (Exome Variant Server, Genome Aggregation Database), indicating it is not a common polymorphism. The serine at codon 6225 is moderately conserved, and computational analyses (SIFT, PolyPhen-2) predict that this variant is deleterious. Due to limited information, the clinical significance of this variant is uncertain at this time.

NM_032119.4(ADGRV1):c.18674G>T (p.Ser6225Ile)

Gene: ADGRV1 (adhesion G protein-coupled receptor V1; plus strand). Cytogenetic location: 5q14.3.
Variant type: single nucleotide variant.
Coding change: c.18674G>T on transcript NM_032119.4 (MANE Select); coding-DNA position 18674, G replaced by T.
Protein change: p.Ser6225Ile; replaces serine 6225 with isoleucine.
Molecular consequence: missense variant. On other transcripts: non-coding transcript variant (1).
Genome position (GRCh38, 1-based): chr5:91,153,270, G>T. VCF-style: chr5-91153270-G-T. GRCh37 (hg19) VCF-style: chr5-90449087-G-T.
Other names: c.18674G>T (NM_032119.3); short protein forms S6225I.
Identifiers: ClinVar variation 993997 (VCV000993997.9), dbSNP rs1796208718, ClinGen allele CA360432545.